The following is an entry in ClinVar:

ClinVar aggregate classification (germline): Pathogenic. Review status: criteria provided, multiple submitters, no conflicts (2 of 4 stars). 3 submissions from 2 submitters: Pathogenic (3). Last evaluated 2024-04-02.

Conditions:
Hereditary breast ovarian cancer syndrome. Also called: Hereditary breast and ovarian cancer syndrome; BRCA1- and BRCA2-Associated Hereditary Breast and Ovarian Cancer; Breast and ovarian cancer; Hereditary breast and ovarian cancer syndrome (HBOC); Hereditary breast and/or ovarian cancer syndrome; Hereditary breast and ovarian cancer. Identifiers: Orphanet 145, MedGen C0677776, MeSH D061325, MONDO:0003582. Disease mechanism: loss of function.
Breast-ovarian cancer, familial, susceptibility to, 2 (BROVCA2). Also called: BRCA2 Hereditary Breast and Ovarian Cancer. Identifiers: Orphanet 145, MedGen C2675520, MONDO:0012933, OMIM 612555. Disease mechanism: loss of function.
Familial cancer of breast. Also called: hereditary breast carcinoma; BREAST CANCER, FAMILIAL; Hereditary breast cancer. Identifiers: Orphanet 227535, MedGen C0346153, MONDO:0016419, OMIM 114480. Disease mechanism: loss of function.

Submissions (3):

Institute of Human Genetics, University of Leipzig Medical Center
Classification: Pathogenic for Familial cancer of breast. Last evaluated: 2024-04-02. Review status: criteria provided, single submitter. Criteria: ACMG Guidelines, 2015. Collection method: clinical testing. Allele origin: unknown. Inheritance: Autosomal dominant inheritance. Affected: yes.
Comment: Criteria applied: PVS1,PM5_STR,PM2_SUP

Institute of Human Genetics, University of Leipzig Medical Center
Classification: Pathogenic for Breast-ovarian cancer, familial, susceptibility to, 2. Last evaluated: 2023-09-28. Review status: criteria provided, single submitter. Criteria: ACMG Guidelines, 2015. Collection method: clinical testing. Allele origin: unknown. Inheritance: Autosomal dominant inheritance. Affected: yes.
Comment: Criteria applied: PVS1,PS4_SUP,PM2_SUP

Labcorp Genetics (formerly Invitae), Labcorp
Classification: Pathogenic for Hereditary breast ovarian cancer syndrome. Last evaluated: 2023-01-09. Review status: criteria provided, single submitter. Criteria: Invitae Variant Classification Sherloc (09022015). Collection method: clinical testing. Allele origin: germline.
Comment: For these reasons, this variant has been classified as Pathogenic. ClinVar contains an entry for this variant (Variation ID: 1456000). This premature translational stop signal has been observed in individual(s) with breast cancer (PMID: 28294317, 31825140). This variant is not present in population databases (gnomAD no frequency). This sequence change creates a premature translational stop signal (p.Gln2943*) in the BRCA2 gene. It is expected to result in an absent or disrupted protein product. Loss-of-function variants in BRCA2 are known to be pathogenic (PMID: 20104584).

Literature cited by the submitters: PubMed 28294317 (cited by Labcorp Genetics (formerly Invitae), Labcorp); PubMed 31825140 (cited by Labcorp Genetics (formerly Invitae), Labcorp); PubMed 20104584 (cited by Labcorp Genetics (formerly Invitae), Labcorp).

NM_000059.4(BRCA2):c.8827C>T (p.Gln2943Ter)

Gene: BRCA2 (BRCA2 DNA repair associated; plus strand). Cytogenetic location: 13q13.1.
Variant type: single nucleotide variant.
Coding change: c.8827C>T on transcript NM_000059.4 (MANE Select); coding-DNA position 8827, C replaced by T.
Protein change: p.Gln2943Ter; replaces glutamine 2943 with a stop codon.
Molecular consequence: nonsense.
Genome position (GRCh38, 1-based): chr13:32,379,389, C>T. VCF-style: chr13-32379389-C-T. GRCh37 (hg19) VCF-style: chr13-32953526-C-T.
Other names: short protein forms Q2943*.
Identifiers: ClinVar variation 1456000 (VCV001456000.8), dbSNP rs2137619580, ClinGen allele CA387756146.